The following is an entry in ClinVar:

NM_003076.5(SMARCD1):c.355C>T (p.Arg119Ter)

Gene: SMARCD1 (SWI/SNF related BAF chromatin remodeling complex subunit D1; plus strand). Cytogenetic location: 12q13.12.
Variant type: single nucleotide variant.
Coding change: c.355C>T on transcript NM_003076.5 (MANE Select); coding-DNA position 355, C replaced by T.
Protein change: p.Arg119Ter; replaces arginine 119 with a stop codon.
Molecular consequence: nonsense.
Genome position (GRCh38, 1-based): chr12:50,086,338, C>T. VCF-style: chr12-50086338-C-T. GRCh37 (hg19) VCF-style: chr12-50480121-C-T.
Other names: c.355C>T, p.Arg119Ter (NM_139071.3); short protein forms R119*.
Identifiers: ClinVar variation 4076189 (VCV004076189.1).

ClinVar aggregate classification (germline): Uncertain significance (1 of 4 stars; one submission).

Conditions:
Coffin-Siris syndrome 11. Identifiers: MedGen C5241442, MONDO:0032912, OMIM 618779.

Submission:

Laboratorio de Genetica e Diagnostico Molecular, Hospital Israelita Albert Einstein
Classification: Uncertain significance for Coffin-Siris syndrome 11. Last evaluated: 2025-01-17. Review status: criteria provided, single submitter. Criteria: ACMG Guidelines, 2015. Collection method: clinical testing. Allele origin: germline. Affected: yes.
Comment: ACMG classification criteria: PM2 supporting